The following is an entry in ClinVar:

NM_199242.3(UNC13D):c.2524G>T (p.Ala842Ser)

Gene: UNC13D (unc-13 homolog D; minus strand). Cytogenetic location: 17q25.1.
Variant type: single nucleotide variant.
Coding change: c.2524G>T on transcript NM_199242.3 (MANE Select); coding-DNA position 2524, G replaced by T.
Protein change: p.Ala842Ser; replaces alanine 842 with serine.
Molecular consequence: missense variant.
Genome position (GRCh38, 1-based): chr17:75,831,272, C>A on the plus strand (G>T on the coding strand, the complement: UNC13D is on the minus strand). VCF-style: chr17-75831272-C-A. GRCh37 (hg19) VCF-style: chr17-73827353-C-A.
Other names: c.2524G>T (NM_199242.2); short protein forms A842S.
Identifiers: ClinVar variation 1426668 (VCV001426668.7), dbSNP rs2143867469, ClinGen allele CA401082132.

ClinVar aggregate classification (germline): Uncertain significance. Review status: criteria provided, multiple submitters, no conflicts (2 of 4 stars). 2 submissions from 2 submitters: Uncertain significance (2). Last evaluated 2024-03-19.

Conditions:
Familial hemophagocytic lymphohistiocytosis 3 (FHL3). Also called: UNC13D-Related Familial Hemophagocytic Lymphohistiocytosis (UNC13D-fHLH). Identifiers: Orphanet 540, MedGen C1837174, MONDO:0012146, OMIM 608898.
Inborn genetic diseases. Identifiers: MedGen C0950123, MeSH D030342.

Allele frequency attached by ClinVar (database versions not stated): gnomAD exomes below 0.00001.
gnomAD v4.1: 3 of 1,614,028 alleles (0.00019%); highest among the groups gnomAD compares: Non-Finnish European, 0.00025%; no homozygotes.

Submissions (2):

Ambry Genetics
Classification: Uncertain significance for Inborn genetic diseases. Last evaluated: 2024-03-19. Review status: criteria provided, single submitter. Criteria: Ambry Variant Classification Scheme 2023. Collection method: clinical testing. Allele origin: germline.

Labcorp Genetics (formerly Invitae), Labcorp
Classification: Uncertain significance for Familial hemophagocytic lymphohistiocytosis 3. Last evaluated: 2024-01-06. Review status: criteria provided, single submitter. Criteria: Invitae Variant Classification Sherloc (09022015). Collection method: clinical testing. Allele origin: germline.
Comment: This sequence change replaces alanine, which is neutral and non-polar, with serine, which is neutral and polar, at codon 842 of the UNC13D protein (p.Ala842Ser). This variant is not present in population databases (gnomAD no frequency). This variant has not been reported in the literature in individuals affected with UNC13D-related conditions. ClinVar contains an entry for this variant (Variation ID: 1426668). Advanced modeling of protein sequence and biophysical properties (such as structural, functional, and spatial information, amino acid conservation, physicochemical variation, residue mobility, and thermodynamic stability) performed at Invitae indicates that this missense variant is not expected to disrupt UNC13D protein function with a negative predictive value of 80%. Algorithms developed to predict the effect of sequence changes on RNA splicing suggest that this variant may create or strengthen a splice site. In summary, the available evidence is currently insufficient to determine the role of this variant in disease. Therefore, it has been classified as a Variant of Uncertain Significance.